The following is an entry in ClinVar:

NM_014915.3(ANKRD26):c.275A>C (p.His92Pro)

Gene: ANKRD26 (ankyrin repeat domain containing 26; minus strand). Cytogenetic location: 10p12.1.
Variant type: single nucleotide variant.
Coding change: c.275A>C on transcript NM_014915.3 (MANE Select); coding-DNA position 275, A replaced by C.
Protein change: p.His92Pro; replaces histidine 92 with proline.
Molecular consequence: missense variant.
Genome position (GRCh38, 1-based): chr10:27,093,767, T>G on the plus strand (A>C on the coding strand, the complement: ANKRD26 is on the minus strand). VCF-style: chr10-27093767-T-G. GRCh37 (hg19) VCF-style: chr10-27382696-T-G.
Other names: c.275A>C, p.His92Pro (NM_001256053.2); short protein forms H92P.
Identifiers: ClinVar variation 3396528 (VCV003396528.1).

ClinVar aggregate classification (germline): Uncertain significance (1 of 4 stars; one submission).

Conditions:
Inborn genetic diseases. Identifiers: MedGen C0950123, MeSH D030342.

Submission:

Ambry Genetics
Classification: Uncertain significance for Inborn genetic diseases. Last evaluated: 2024-10-05. Review status: criteria provided, single submitter. Criteria: Ambry Variant Classification Scheme 2023. Collection method: clinical testing. Allele origin: germline.
Comment: The p.H92P variant (also known as c.275A>C), located in coding exon 2 of the ANKRD26 gene, results from an A to C substitution at nucleotide position 275. The histidine at codon 92 is replaced by proline, an amino acid with similar properties. This amino acid position is conserved. In addition, the in silico prediction for this alteration is inconclusive. Based on the available evidence, the clinical significance of this variant remains unclear.